The following is an entry in ClinVar:

ClinVar aggregate classification (germline): Likely pathogenic (1 of 4 stars; one submission).

Allele frequency attached by ClinVar (database versions not stated): gnomAD 0.00001 and 0.00002; ExAC 0.00002; gnomAD exomes 0.00002 and 0.00004; TOPMed 0.00002; 1000 Genomes Project 30x 0.00016; 1000 Genomes Project 0.00020.
gnomAD v4.1: 60 of 1,613,900 alleles (0.0037%); highest among the groups gnomAD compares: Non-Finnish European, 0.005%; no homozygotes.

Submission:

GeneDx
Classification: Likely pathogenic. Last evaluated: 2014-03-28. Review status: criteria provided, single submitter. Criteria: GeneDx Variant Classification (06012015). Collection method: clinical testing. Allele origin: germline. Affected: yes.
Comment: p.Val255Ala (GTT>GCT): c.764 T>C in exon 2 of the ALDH1B1 gene (NM_000692.4). The V255A variant has not been published as a mutation, nor has it been reported as a benign polymorphism to our knowledge. The V255A variant is a conservative amino acid substitution, which is not likely to impact secondary protein structure as these residues share similar properties. This substitution occurs at a position that is highly conserved across species. In silico analysis predicts this variant is probably damaging to the protein structure/function. Therefore, this variant is a strong candidate for a pathogenic mutation, however the possibility that it is a benign variant cannot be excluded. The variant is found in MITONUC-MITOP panel(s).

NM_000692.5(ALDH1B1):c.764T>C (p.Val255Ala)

Gene: ALDH1B1 (aldehyde dehydrogenase 1 family member B1; plus strand). Cytogenetic location: 9p13.1.
Variant type: single nucleotide variant.
Coding change: c.764T>C on transcript NM_000692.5 (MANE Select); coding-DNA position 764, T replaced by C.
Protein change: p.Val255Ala; replaces valine 255 with alanine.
Molecular consequence: missense variant.
Genome position (GRCh38, 1-based): chr9:38,396,512, T>C. VCF-style: chr9-38396512-T-C. GRCh37 (hg19) VCF-style: chr9-38396509-T-C.
Other names: p.V255A:GTT>GCT; short protein forms V255A.
Identifiers: ClinVar variation 214113 (VCV000214113.2), dbSNP rs201458895, ClinGen allele CA320831.